The following is an entry in ClinVar:

ClinVar aggregate classification (germline): Uncertain significance (1 of 4 stars; one submission).

gnomAD v4.1: 12 of 1,610,262 alleles (0.00075%); highest among the groups gnomAD compares: Non-Finnish European, 0.00093%; no homozygotes.

Submission:

Labcorp Genetics (formerly Invitae), Labcorp
Classification: Uncertain significance. Last evaluated: 2025-07-31. Review status: criteria provided, single submitter. Criteria: Invitae Variant Classification Sherloc (09022015). Collection method: clinical testing. Allele origin: germline.
Comment: This sequence change replaces serine, which is neutral and polar, with cysteine, which is neutral and slightly polar, at codon 481 of the NIN protein (p.Ser481Cys). This variant is present in population databases (rs376655172, gnomAD 0.002%). This variant has not been reported in the literature in individuals affected with NIN-related conditions. An algorithm developed to predict the effect of missense changes on protein structure and function (PolyPhen-2) suggests that this variant is likely to be tolerated. In summary, the available evidence is currently insufficient to determine the role of this variant in disease. Therefore, it has been classified as a Variant of Uncertain Significance.

NM_020921.4(NIN):c.1441A>T (p.Ser481Cys)

Gene: NIN (ninein; minus strand). Cytogenetic location: 14q22.1.
Variant type: single nucleotide variant.
Coding change: c.1441A>T on transcript NM_020921.4 (MANE Select); coding-DNA position 1441, A replaced by T.
Protein change: p.Ser481Cys; replaces serine 481 with cysteine.
Molecular consequence: missense variant.
Genome position (GRCh38, 1-based): chr14:50,766,884, T>A on the plus strand (A>T on the coding strand, the complement: NIN is on the minus strand). VCF-style: chr14-50766884-T-A. GRCh37 (hg19) VCF-style: chr14-51233602-T-A.
Other names: c.1441A>T, p.Ser481Cys (NM_016350.5, NM_182944.3, NM_182946.2); short protein forms S481C.
Identifiers: ClinVar variation 4697051 (VCV004697051.1).